The following is an entry in ClinVar:

NM_020800.3(IFT80):c.2083C>G (p.Leu695Val)

Genes: TRIM59-IFT80 (TRIM59-IFT80 readthrough (NMD candidate); minus strand), IFT80 (intraflagellar transport 80; minus strand). Cytogenetic location: 3q25.33.
Variant type: single nucleotide variant.
Coding change: c.2083C>G on transcript NM_020800.3 (MANE Select); coding-DNA position 2083, C replaced by G.
Protein change: p.Leu695Val; replaces leucine 695 with valine.
Molecular consequence: missense variant. On other transcripts: non-coding transcript variant (3).
Genome position (GRCh38, 1-based): chr3:160,277,322, G>C on the plus strand (C>G on the coding strand, the complement: IFT80 is on the minus strand). VCF-style: chr3-160277322-G-C. GRCh37 (hg19) VCF-style: chr3-159995110-G-C.
Other names: c.1672C>G, p.Leu558Val (NM_001190241.2, NM_001190242.2); short protein forms L558V, L695V.
Identifiers: ClinVar variation 2421961 (VCV002421961.6), dbSNP rs2473099415, ClinGen allele CA355190150.
Genomic context (GRCh38, chr3:160,277,322, plus strand): 5'-AAGGTCAAACAGATTTTGGAACTGATGGAAAGCATTCTTATTACCTTTCCCAGTTGTAGA[G>C]ATTAATATTGATCTGGATTGCTTGATAAACAAGGCCAGCCTGAAGAAGTACTATTTCAGC-3'
Protein context (NP_065851.1, residues 685-705): VYQAIQININ[Leu695Val]YNWERALELA

ClinVar aggregate classification (germline): Uncertain significance (1 of 4 stars; one submission).

Conditions:
Jeune thoracic dystrophy. Also called: Short-rib thoracic dysplasia; Jeune syndrome; Infantile thoracic dystrophy; Thoracic pelvic phalangeal dystrophy; Jeune's syndrome; Chondroectodermal dysplasia-like syndrome. Identifiers: Orphanet 474, MedGen C0265275, MONDO:0018770.

Submission:

Labcorp Genetics (formerly Invitae), Labcorp
Classification: Uncertain significance for Jeune thoracic dystrophy. Last evaluated: 2022-02-04. Review status: criteria provided, single submitter. Criteria: Invitae Variant Classification Sherloc (09022015). Collection method: clinical testing. Allele origin: germline.
Comment: In summary, the available evidence is currently insufficient to determine the role of this variant in disease. Therefore, it has been classified as a Variant of Uncertain Significance. Algorithms developed to predict the effect of missense changes on protein structure and function (SIFT, PolyPhen-2, Align-GVGD) all suggest that this variant is likely to be tolerated. This variant has not been reported in the literature in individuals affected with IFT80-related conditions. This variant is not present in population databases (gnomAD no frequency). This sequence change replaces leucine, which is neutral and non-polar, with valine, which is neutral and non-polar, at codon 695 of the IFT80 protein (p.Leu695Val).